The following is an entry in ClinVar:

ClinVar aggregate classification (germline): Conflicting classifications of pathogenicity. Review status: criteria provided, conflicting classifications (1 of 4 stars). 2 submissions from 2 submitters: Uncertain significance (1); Likely benign (1). Last evaluated 2025-06-18.

Conditions:
SNRNP200-related disorder. Also called: SNRNP200-related condition.

Allele frequency attached by ClinVar (database versions not stated): TOPMed below 0.00001; gnomAD 0.00001; ExAC 0.00004.
gnomAD v4.1: 30 of 1,613,968 alleles (0.0019%); highest among the groups gnomAD compares: South Asian, 0.032%; no homozygotes.

Submissions (2):

PreventionGenetics, part of Exact Sciences
Classification: Likely benign for SNRNP200-related condition. Last evaluated: 2025-06-18. Review status: criteria provided, single submitter. Criteria: ACMG Guidelines, 2015. Collection method: clinical testing. Allele origin: germline.
Comment: This variant is classified as likely benign based on ACMG/AMP sequence variant interpretation guidelines (Richards et al. 2015 PMID: 25741868, with internal and published modifications).

Labcorp Genetics (formerly Invitae), Labcorp
Classification: Uncertain significance. Last evaluated: 2023-11-28. Review status: criteria provided, single submitter. Criteria: Invitae Variant Classification Sherloc (09022015). Collection method: clinical testing. Allele origin: germline.
Comment: This sequence change falls in intron 20 of the SNRNP200 gene. It does not directly change the encoded amino acid sequence of the SNRNP200 protein. This variant is present in population databases (rs762931438, gnomAD 0.03%). This variant has not been reported in the literature in individuals affected with SNRNP200-related conditions. Algorithms developed to predict the effect of sequence changes on RNA splicing suggest that this variant may disrupt the consensus splice site. In summary, the available evidence is currently insufficient to determine the role of this variant in disease. Therefore, it has been classified as a Variant of Uncertain Significance.

NM_014014.5(SNRNP200):c.2743-8T>A

Gene: SNRNP200 (small nuclear ribonucleoprotein U5 subunit 200; minus strand). Cytogenetic location: 2q11.2.
Variant type: single nucleotide variant.
Coding change: c.2743-8T>A on transcript NM_014014.5 (MANE Select); 8 bases into the intron before coding-DNA position 2743, T replaced by A.
Molecular consequence: intron variant.
Genome position (GRCh38, 1-based): chr2:96,290,004, A>T on the plus strand (T>A on the coding strand, the complement: SNRNP200 is on the minus strand). VCF-style: chr2-96290004-A-T. GRCh37 (hg19) VCF-style: chr2-96955742-A-T.
Other names: c.2743-8T>A (NM_014014.4).
Identifiers: ClinVar variation 2796251 (VCV002796251.4), dbSNP rs762931438, ClinGen allele CA1778627.